The following is an entry in ClinVar:

ClinVar aggregate classification (germline): Uncertain significance. Review status: criteria provided, multiple submitters, no conflicts (2 of 4 stars). 2 submissions from 2 submitters: Uncertain significance (2). Last evaluated 2025-04-28.

Allele frequency attached by ClinVar (database versions not stated): gnomAD exomes 0.00001; ExAC 0.00004; gnomAD 0.00004; TOPMed 0.00006; ESP Exome Variant Server 0.00008; 1000 Genomes Project 30x 0.00016; 1000 Genomes Project 0.00020.
gnomAD v4.1: 25 of 1,614,130 alleles (0.0015%); highest among the groups gnomAD compares: Admixed American, 0.022%; no homozygotes.

Submissions (2):

Labcorp Genetics (formerly Invitae), Labcorp
Classification: Uncertain significance. Last evaluated: 2025-04-28. Review status: criteria provided, single submitter. Criteria: Invitae Variant Classification Sherloc (09022015). Collection method: clinical testing. Allele origin: germline.
Comment: This sequence change replaces tyrosine, which is neutral and polar, with cysteine, which is neutral and slightly polar, at codon 693 of the MCM4 protein (p.Tyr693Cys). This variant is present in population databases (rs147992641, gnomAD 0.03%). This variant has not been reported in the literature in individuals affected with MCM4-related conditions. ClinVar contains an entry for this variant (Variation ID: 2155803). Invitae Evidence Modeling of protein sequence and biophysical properties (such as structural, functional, and spatial information, amino acid conservation, physicochemical variation, residue mobility, and thermodynamic stability) indicates that this missense variant is expected to disrupt MCM4 protein function with a positive predictive value of 80%. In summary, the available evidence is currently insufficient to determine the role of this variant in disease. Therefore, it has been classified as a Variant of Uncertain Significance.

Ambry Genetics
Classification: Uncertain significance. Last evaluated: 2024-05-31. Review status: criteria provided, single submitter. Criteria: Ambry Variant Classification Scheme 2023. Collection method: clinical testing. Allele origin: germline.

NM_182746.3(MCM4):c.2078A>G (p.Tyr693Cys)

Gene: MCM4 (minichromosome maintenance complex component 4; plus strand). Cytogenetic location: 8q11.21.
Variant type: single nucleotide variant.
Coding change: c.2078A>G on transcript NM_182746.3 (MANE Select); coding-DNA position 2078, A replaced by G.
Protein change: p.Tyr693Cys; replaces tyrosine 693 with cysteine.
Molecular consequence: missense variant.
Genome position (GRCh38, 1-based): chr8:47,973,006, A>G. VCF-style: chr8-47973006-A-G. GRCh37 (hg19) VCF-style: chr8-48885566-A-G.
Other names: c.2078A>G, p.Tyr693Cys (NM_005914.4); c.2078A>G (NM_005914.3); short protein forms Y693C.
Identifiers: ClinVar variation 2155803 (VCV002155803.3), dbSNP rs147992641, ClinGen allele CA4742789.